The following is an entry in ClinVar:

ClinVar aggregate classification (germline): Benign/Likely benign. Review status: criteria provided, multiple submitters, no conflicts (2 of 4 stars). 6 submissions from 6 submitters: Benign (1); Likely benign (4). 1 of the submissions does not count toward it. Last evaluated 2026-04-01.

Conditions:
CTNNB1-related disorder. Also called: CTNNB1-related condition.

Allele frequency attached by ClinVar (database versions not stated): gnomAD exomes 0.00033 and 0.00085; ExAC 0.00101; 1000 Genomes Project 0.00339; ESP Exome Variant Server 0.00354; 1000 Genomes Project 30x 0.00359; gnomAD 0.00392; TOPMed 0.00431.
gnomAD v4.1: 1,071 of 1,614,186 alleles (0.066%); highest among the groups gnomAD compares: African/African-American, 1.3%; 10 homozygotes.

Submissions (6):

CeGaT Center for Human Genetics Tuebingen
Classification: Likely benign. Last evaluated: 2026-04-01. Review status: criteria provided, single submitter. Criteria: CeGaT Center For Human Genetics Tuebingen Variant Classification Criteria Version 2. Collection method: clinical testing. Allele origin: germline. Affected: yes. Observed: 3 variant alleles.
Comment: CTNNB1: BP4, BP7, BS1

Labcorp Genetics (formerly Invitae), Labcorp
Classification: Benign. Last evaluated: 2026-01-31. Review status: criteria provided, single submitter. Criteria: Invitae Variant Classification Sherloc (09022015). Collection method: clinical testing. Allele origin: germline.

Blueprint Genetics
Classification: Likely benign. Last evaluated: 2024-08-28. Review status: criteria provided, single submitter. Criteria: ACMG Guidelines, 2015. Collection method: clinical testing. Allele origin: germline.

GeneDx
Classification: Likely benign. Last evaluated: 2020-09-08. Review status: criteria provided, single submitter. Criteria: GeneDx Variant Classification Process June 2021. Collection method: clinical testing. Allele origin: germline. Affected: yes.

Breakthrough Genomics
Classification: Likely benign. Review status: criteria provided, single submitter. Criteria: ACMG Guidelines, 2015. Collection method: not provided. Allele origin: germline. Inheritance: Autosomal recessive inheritance. Affected: yes.

PreventionGenetics, part of Exact Sciences
Classification: Likely benign for CTNNB1-related condition. Last evaluated: 2024-01-10. Review status: no assertion criteria provided. Collection method: clinical testing. Allele origin: germline. Not counted in ClinVar's aggregate classification.
Comment: This variant is classified as likely benign based on ACMG/AMP sequence variant interpretation guidelines (Richards et al. 2015 PMID: 25741868, with internal and published modifications).

NM_001904.4(CTNNB1):c.1983A>C (p.Arg661=)

Gene: CTNNB1 (catenin beta 1; plus strand). Cytogenetic location: 3p22.1.
Variant type: single nucleotide variant.
Coding change: c.1983A>C on transcript NM_001904.4 (MANE Select); coding-DNA position 1983, A replaced by C.
Protein change: p.Arg661=; no amino-acid change (arginine 661 retained).
Molecular consequence: synonymous variant.
Genome position (GRCh38, 1-based): chr3:41,236,616, A>C. VCF-style: chr3-41236616-A-C. GRCh37 (hg19) VCF-style: chr3-41278107-A-C.
Other names: c.1983A>C, p.Arg661= (NM_001098209.2, NM_001098210.2); c.1962A>C, p.Arg654= (NM_001330729.2).
Identifiers: ClinVar variation 783998 (VCV000783998.39), dbSNP rs1800663, ClinGen allele CA2331218.